The following is an entry in ClinVar:

ClinVar aggregate classification (germline): Uncertain significance (1 of 4 stars; one submission).

Allele frequency attached by ClinVar (database versions not stated): ExAC 0.00002.
gnomAD v4.1: 6 of 1,613,998 alleles (0.00037%); highest among the groups gnomAD compares: South Asian, 0.0022%; no homozygotes.

Submission:

Labcorp Genetics (formerly Invitae), Labcorp
Classification: Uncertain significance. Last evaluated: 2022-11-27. Review status: criteria provided, single submitter. Criteria: Invitae Variant Classification Sherloc (09022015). Collection method: clinical testing. Allele origin: germline.
Comment: In summary, the available evidence is currently insufficient to determine the role of this variant in disease. Therefore, it has been classified as a Variant of Uncertain Significance. Algorithms developed to predict the effect of missense changes on protein structure and function are either unavailable or do not agree on the potential impact of this missense change (SIFT: "Deleterious"; PolyPhen-2: "Benign"; Align-GVGD: "Class C0"). This variant has not been reported in the literature in individuals affected with SLC16A1-related conditions. This variant is present in population databases (rs763641576, gnomAD 0.003%). This sequence change replaces arginine, which is basic and polar, with tryptophan, which is neutral and slightly polar, at codon 411 of the SLC16A1 protein (p.Arg411Trp).

NM_003051.4(SLC16A1):c.1231C>T (p.Arg411Trp)

Gene: SLC16A1 (solute carrier family 16 member 1; minus strand). Cytogenetic location: 1p13.2.
Variant type: single nucleotide variant.
Coding change: c.1231C>T on transcript NM_003051.4 (MANE Select); coding-DNA position 1231, C replaced by T.
Protein change: p.Arg411Trp; replaces arginine 411 with tryptophan.
Molecular consequence: missense variant.
Genome position (GRCh38, 1-based): chr1:112,914,163, G>A on the plus strand (C>T on the coding strand, the complement: SLC16A1 is on the minus strand). VCF-style: chr1-112914163-G-A. GRCh37 (hg19) VCF-style: chr1-113456785-G-A.
Other names: c.1231C>T, p.Arg411Trp (NM_001166496.2); short protein forms R411W.
Identifiers: ClinVar variation 2993046 (VCV002993046.3), dbSNP rs763641576, ClinGen allele CA1011283.